The following is an entry in ClinVar:

ClinVar aggregate classification (germline): Benign. Review status: criteria provided, multiple submitters, no conflicts (2 of 4 stars). 3 submissions from 3 submitters: Benign (3). Last evaluated 2023-11-12.

Allele frequency attached by ClinVar (database versions not stated): 1000 Genomes Project 0.09026; 1000 Genomes Project 30x 0.09275; gnomAD exomes 0.13559 and 0.17026; ExAC 0.14188; TOPMed 0.12524; gnomAD 0.13264 and 0.13319; ESP Exome Variant Server 0.14739.

Submissions (3):

Unidad de Genómica Garrahan, Hospital de Pediatría Garrahan
Classification: Benign. Last evaluated: 2023-11-12. Review status: criteria provided, single submitter. Criteria: ACMG Guidelines, 2015. Collection method: clinical testing. Allele origin: germline. Affected: no. Observed: 23 variant alleles.
Comment: This variant is classified as Benign based on local population frequency. This variant was detected in 24% of patients studied by a panel of primary immunodeficiencies. Number of patients: 23. Only high quality variants are reported.

GeneDx
Classification: Benign. Last evaluated: 2021-06-19. Review status: criteria provided, single submitter. Criteria: GeneDx Variant Classification Process June 2021. Collection method: clinical testing. Allele origin: germline. Affected: yes.

Breakthrough Genomics
Classification: Benign. Review status: criteria provided, single submitter. Criteria: ACMG Guidelines, 2015. Collection method: not provided. Allele origin: germline. Inheritance: Autosomal dominant inheritance. Affected: yes.

NM_020529.3(NFKBIA):c.547+49G>A

Gene: NFKBIA (NFKB inhibitor alpha; minus strand). Cytogenetic location: 14q13.2.
Variant type: single nucleotide variant.
Coding change: c.547+49G>A on transcript NM_020529.3 (MANE Select); 49 bases into the intron after coding-DNA position 547, G replaced by A.
Molecular consequence: intron variant.
Genome position (GRCh38, 1-based): chr14:35,403,101, C>T on the plus strand (G>A on the coding strand, the complement: NFKBIA is on the minus strand). VCF-style: chr14-35403101-C-T. GRCh37 (hg19) VCF-style: chr14-35872307-C-T.
Identifiers: ClinVar variation 1290379 (VCV001290379.5), dbSNP rs3138054, ClinGen allele CA7155430.